The following is an entry in ClinVar:

NM_006306.4(SMC1A):c.2842_2845dup (p.Asp949delinsGlyTer)

Gene: SMC1A (structural maintenance of chromosomes 1A; minus strand). Cytogenetic location: Xp11.22.
Variant type: Duplication.
Coding change: c.2842_2845dup on transcript NM_006306.4 (MANE Select); coding-DNA positions 2842 to 2845, 4 bases duplicated (GATG; older notation c.2842_2845dupGATG).
Protein change: p.Asp949delinsGlyTer.
Molecular consequence: nonsense.
Genome position (GRCh38, 1-based): chrX:53,396,244-53,396,247, CATC duplicated on the plus strand (GATG on the coding strand, the reverse complement: SMC1A is on the minus strand); duplicating any 4 consecutive bases within chrX:53,396,244-53,396,250 gives the same sequence; the c. name uses the placement nearest the transcript's 3' end. VCF-style (leftmost placement, unchanged base first): chrX-53396243-T-TCATC. GRCh37 (hg19) VCF-style: chrX-53423163-T-TCATC.
Other names: c.2776_2779dup, p.Asp927delinsGlyTer (NM_001281463.1).
Identifiers: ClinVar variation 1068693 (VCV001068693.2), dbSNP rs2146593421, ClinGen allele CA2499226784.
Genomic context (GRCh38, chrX:53,396,243, plus strand): 5'-AATGATGTTCATCGCCCACTCCCACCACCAGCCACAATACTCACCTCTTCCTGACTAATA[T>TCATC]CATCCATGGTGCCTTTTGACAGTGGCAACTTAATGTCCTGCATCTTACAGGCCTGTAGCA-3'

ClinVar aggregate classification (germline): Pathogenic (1 of 4 stars; one submission).

Conditions:
Congenital muscular hypertrophy-cerebral syndrome (CDLS2). Also called: Cornelia de Lange syndrome 2; SMC1A-Related Cornelia de Lange Syndrome. Identifiers: Orphanet 199, MedGen C1802395, MONDO:0010370, OMIM 300590.

Submission:

Labcorp Genetics (formerly Invitae), Labcorp
Classification: Pathogenic for Congenital muscular hypertrophy-cerebral syndrome. Last evaluated: 2020-06-05. Review status: criteria provided, single submitter. Criteria: Invitae Variant Classification Sherloc (09022015). Collection method: clinical testing. Allele origin: germline.
Comment: This sequence change creates a premature translational stop signal (p.Asp949Glyfs*2) in the SMC1A gene. It is expected to result in an absent or disrupted protein product. This variant is not present in population databases (ExAC no frequency). This variant has not been reported in the literature in individuals with SMC1A-related conditions. Loss-of-function variants in SMC1A are known to be pathogenic (PMID: 26386245, 27334371, 28166369, 28548707, 31334757). For these reasons, this variant has been classified as Pathogenic.

Literature cited by the submitters: PubMed 26386245; PubMed 27334371; PubMed 28166369; PubMed 28548707; PubMed 31334757.